The following is an entry in ClinVar:

ClinVar aggregate classification (germline): Uncertain significance (1 of 4 stars; one submission).

Conditions:
Fanconi anemia (FA). Also called: Fanconi's anemia. Identifiers: Orphanet 84, MedGen C0015625, MeSH D005199, MONDO:0019391.

Submission:

Labcorp Genetics (formerly Invitae), Labcorp
Classification: Uncertain significance for Fanconi anemia. Last evaluated: 2024-02-15. Review status: criteria provided, single submitter. Criteria: Invitae Variant Classification Sherloc (09022015). Collection method: clinical testing. Allele origin: germline.
Comment: This sequence change replaces asparagine, which is neutral and polar, with lysine, which is basic and polar, at codon 807 of the SLX4 protein (p.Asn807Lys). This variant is not present in population databases (gnomAD no frequency). This variant has not been reported in the literature in individuals affected with SLX4-related conditions. An algorithm developed to predict the effect of missense changes on protein structure and function (PolyPhen-2) suggests that this variant is likely to be tolerated. In summary, the available evidence is currently insufficient to determine the role of this variant in disease. Therefore, it has been classified as a Variant of Uncertain Significance.

NM_032444.4(SLX4):c.2421T>G (p.Asn807Lys)

Gene: SLX4 (SLX4 structure-specific endonuclease subunit; minus strand). Cytogenetic location: 16p13.3.
Variant type: single nucleotide variant.
Coding change: c.2421T>G on transcript NM_032444.4 (MANE Select); coding-DNA position 2421, T replaced by G.
Protein change: p.Asn807Lys; replaces asparagine 807 with lysine.
Molecular consequence: missense variant.
Genome position (GRCh38, 1-based): chr16:3,591,217, A>C on the plus strand (T>G on the coding strand, the complement: SLX4 is on the minus strand). VCF-style: chr16-3591217-A-C. GRCh37 (hg19) VCF-style: chr16-3641218-A-C.
Other names: short protein forms N807K.
Identifiers: ClinVar variation 3641083 (VCV003641083.2).
Genomic context (GRCh38, chr16:3,591,217, plus strand): 5'-CTCTTCATCTGCCCACATTGACCTCAAGAGTTCCTGGAAATTCTCGGCCCTGCTTTCGCA[A>C]TTCTCTGCTTCCTTCTCCTCCCATGGTTTGCCCTCTGAGTCAGTGGCAATAGGCACCTGT-3'
Protein context (NP_115820.2, residues 797-817): GKPWEEKEAE[Asn807Lys]CESRAENFQE